The following is an entry in ClinVar:

ClinVar aggregate classification (germline): Uncertain significance. Review status: criteria provided, multiple submitters, no conflicts (2 of 4 stars). 2 submissions from 2 submitters: Uncertain significance (2). Last evaluated 2026-01-19.

Conditions:
Inborn genetic diseases. Identifiers: MedGen C0950123, MeSH D030342.
Adams-Oliver syndrome 4 (AOS4). Identifiers: Orphanet 974, MedGen C3809092, MONDO:0014124, OMIM 615297.

Allele frequency attached by ClinVar (database versions not stated): gnomAD 0.00003 and 0.00004; gnomAD exomes 0.00005 and 0.00015; ExAC 0.00009; TOPMed 0.00010; 1000 Genomes Project 0.00020; 1000 Genomes Project 30x 0.00031.
gnomAD v4.1: 73 of 1,610,676 alleles (0.0045%); highest among the groups gnomAD compares: Admixed American, 0.076%; no homozygotes.

Submissions (2):

Labcorp Genetics (formerly Invitae), Labcorp
Classification: Uncertain significance for Adams-Oliver syndrome 4. Last evaluated: 2026-01-19. Review status: criteria provided, single submitter. Criteria: Invitae Variant Classification Sherloc (09022015). Collection method: clinical testing. Allele origin: germline.
Comment: This sequence change replaces arginine, which is basic and polar, with histidine, which is basic and polar, at codon 368 of the EOGT protein (p.Arg368His). This variant is present in population databases (rs193201126, gnomAD 0.1%). This variant has not been reported in the literature in individuals affected with EOGT-related conditions. ClinVar contains an entry for this variant (Variation ID: 1418697). Invitae Evidence Modeling of protein sequence and biophysical properties (such as structural, functional, and spatial information, amino acid conservation, physicochemical variation, residue mobility, and thermodynamic stability) indicates that this missense variant is not expected to disrupt EOGT protein function with a negative predictive value of 80%. In summary, the available evidence is currently insufficient to determine the role of this variant in disease. Therefore, it has been classified as a Variant of Uncertain Significance.

Ambry Genetics
Classification: Uncertain significance for Inborn genetic diseases. Last evaluated: 2021-05-06. Review status: criteria provided, single submitter. Criteria: Ambry Variant Classification Scheme 2023. Collection method: clinical testing. Allele origin: germline.

NM_001278689.2(EOGT):c.1355G>A (p.Arg452His)

Gene: EOGT (EGF domain specific O-linked N-acetylglucosamine transferase; minus strand). Cytogenetic location: 3p14.1.
Variant type: single nucleotide variant.
Coding change: c.1355G>A on transcript NM_001278689.2 (MANE Select); coding-DNA position 1355, G replaced by A.
Protein change: p.Arg452His; replaces arginine 452 with histidine.
Molecular consequence: missense variant. On other transcripts: non-coding transcript variant (1).
Genome position (GRCh38, 1-based): chr3:68,978,415, C>T on the plus strand (G>A on the coding strand, the complement: EOGT is on the minus strand). VCF-style: chr3-68978415-C-T. GRCh37 (hg19) VCF-style: chr3-69027566-C-T.
Other names: c.1103G>A (NM_173654.1); c.1103G>A, p.Arg368His (NM_173654.3); short protein forms R452H, R368H.
Identifiers: ClinVar variation 1418697 (VCV001418697.8), dbSNP rs193201126, ClinGen allele CA2486619.